The following is an entry in ClinVar:

ClinVar aggregate classification (germline): Uncertain significance. Review status: criteria provided, multiple submitters, no conflicts (2 of 4 stars). 4 submissions from 4 submitters: Uncertain significance (4). Last evaluated 2025-11-05.

Conditions:
Emery-Dreifuss muscular dystrophy 5, autosomal dominant (EDMD5). Also called: EMERY-DREIFUSS MUSCULAR DYSTROPHY 5. Identifiers: Orphanet 261, MedGen C2751805, MONDO:0013072, OMIM 612999.

Allele frequency attached by ClinVar (database versions not stated): gnomAD exomes 0.00001 and 0.00002; ExAC 0.00002; gnomAD 0.00002 and 0.00003; TOPMed 0.00004.
gnomAD v4.1: 38 of 1,613,990 alleles (0.0024%); highest among the groups gnomAD compares: Middle Eastern, 0.049%; no homozygotes.

Submissions (4):

Labcorp Genetics (formerly Invitae), Labcorp
Classification: Uncertain significance for Emery-Dreifuss muscular dystrophy 5, autosomal dominant. Last evaluated: 2025-11-05. Review status: criteria provided, single submitter. Criteria: Invitae Variant Classification Sherloc (09022015). Collection method: clinical testing. Allele origin: germline.
Comment: This sequence change replaces asparagine, which is neutral and polar, with serine, which is neutral and polar, at codon 1725 of the SYNE2 protein (p.Asn1725Ser). This variant is present in population databases (rs200554446, gnomAD 0.002%). This variant has not been reported in the literature in individuals affected with SYNE2-related conditions. ClinVar contains an entry for this variant (Variation ID: 470978). An algorithm developed to predict the effect of missense changes on protein structure and function outputs the following: PolyPhen-2: "Benign". The serine amino acid residue is found in multiple mammalian species, which suggests that this missense change does not adversely affect protein function. In summary, the available evidence is currently insufficient to determine the role of this variant in disease. Therefore, it has been classified as a Variant of Uncertain Significance.

Ambry Genetics
Classification: Uncertain significance. Last evaluated: 2025-04-08. Review status: criteria provided, single submitter. Criteria: Ambry Variant Classification Scheme 2023. Collection method: clinical testing. Allele origin: germline.

Revvity Omics, Revvity
Classification: Uncertain significance for Emery-Dreifuss muscular dystrophy 5, autosomal dominant. Last evaluated: 2019-07-02. Review status: criteria provided, single submitter. Criteria: ACMG Guidelines, 2015. Collection method: clinical testing. Allele origin: germline.

Breakthrough Genomics
Classification: Uncertain significance. Review status: criteria provided, single submitter. Criteria: ACMG Guidelines, 2015. Collection method: not provided. Allele origin: germline. Inheritance: Autosomal dominant inheritance. Affected: yes.

NM_182914.3(SYNE2):c.5174A>G (p.Asn1725Ser)

Gene: SYNE2 (spectrin repeat containing nuclear envelope protein 2; plus strand). Cytogenetic location: 14q23.2.
Variant type: single nucleotide variant.
Coding change: c.5174A>G on transcript NM_182914.3 (MANE Select); coding-DNA position 5174, A replaced by G.
Protein change: p.Asn1725Ser; replaces asparagine 1725 with serine.
Molecular consequence: missense variant.
Genome position (GRCh38, 1-based): chr14:64,021,337, A>G. VCF-style: chr14-64021337-A-G. GRCh37 (hg19) VCF-style: chr14-64488055-A-G.
Other names: c.5174A>G, p.Asn1725Ser (NM_015180.6); short protein forms N1725S.
Identifiers: ClinVar variation 470978 (VCV000470978.15), dbSNP rs200554446, ClinGen allele CA7220417.